The following is an entry in ClinVar:

NM_001161352.2(KCNMA1):c.3052G>T (p.Asp1018Tyr)

Genes: KCNMA1 (potassium calcium-activated channel subfamily M alpha 1; minus strand), KCNMA1-AS1 (KCNMA1 antisense RNA 1; plus strand). Cytogenetic location: 10q22.3.
Variant type: single nucleotide variant.
Coding change: c.3052G>T on transcript NM_001161352.2 (MANE Select); coding-DNA position 3052, G replaced by T.
Protein change: p.Asp1018Tyr; replaces aspartic acid 1018 with tyrosine.
Molecular consequence: missense variant.
Genome position (GRCh38, 1-based): chr10:76,910,061, C>A on the plus strand (G>T on the coding strand, the complement: KCNMA1 is on the minus strand). VCF-style: chr10-76910061-C-A. GRCh37 (hg19) VCF-style: chr10-78669819-C-A.
Other names: c.2890G>T, p.Asp964Tyr (NM_001014797.3); c.3001G>T, p.Asp1001Tyr (NM_001161353.2); c.2728G>T, p.Asp910Tyr (NM_001271518.2); c.2968G>T, p.Asp990Tyr (NM_001271519.2); c.2887G>T, p.Asp963Tyr (NM_001322829.2, NM_001322836.2); c.2980G>T, p.Asp994Tyr (NM_001322830.2); c.2878G>T, p.Asp960Tyr (NM_001322832.2, NM_001410940.1, NM_002247.4); c.2971G>T, p.Asp991Tyr (NM_001322835.2, NM_001322837.2); and 1 more; short protein forms D1001Y, D1018Y, D809Y, D910Y, D960Y, D963Y, D964Y, D990Y.
Identifiers: ClinVar variation 3382581 (VCV003382581.2).

ClinVar aggregate classification (germline): Uncertain significance (1 of 4 stars; one submission).

Conditions:
Liang-Wang syndrome. Identifiers: Orphanet 664438, MedGen C5231479, MONDO:0032886, OMIM 618729.

Submission:

Juno Genomics, Hangzhou Juno Genomics, Inc
Classification: Uncertain significance for Liang-Wang syndrome. Review status: criteria provided, single submitter. Criteria: ACMG Guidelines, 2015. Collection method: clinical testing. Allele origin: germline. Affected: yes.
Comment: Absent from controls (or at extremely low frequency if recessive) in Genome Aggregation Database, Exome Sequencing Project, 1000 Genomes Project, or Exome Aggregation Consortium.;De novo (both maternity and paternity confirmed) in a patient with the disease and no family history.;Missense variant in a gene that has a low rate of benign missense variation and where missense variants are a common mechanism of disease.;Located in a mutational hot spot and/or critical and well-established functional domain (e.g. active site of an enzyme) without benign variation.